The following is an entry in ClinVar:

NM_183050.4(BCKDHB):c.587A>T (p.His196Leu)

Gene: BCKDHB (branched chain keto acid dehydrogenase E1 subunit beta; plus strand). Cytogenetic location: 6q14.1.
Variant type: single nucleotide variant.
Coding change: c.587A>T on transcript NM_183050.4 (MANE Select); coding-DNA position 587, A replaced by T.
Protein change: p.His196Leu; replaces histidine 196 with leucine.
Molecular consequence: missense variant. On other transcripts: non-coding transcript variant (1).
Genome position (GRCh38, 1-based): chr6:80,168,984, A>T. VCF-style: chr6-80168984-A-T. GRCh37 (hg19) VCF-style: chr6-80878701-A-T.
Other names: c.587A>T, p.His196Leu (NM_000056.5); c.377A>T, p.His126Leu (NM_001318975.1); short protein forms H196L, H126L.
Identifiers: ClinVar variation 96597 (VCV000096597.45), dbSNP rs398124585, ClinGen allele CA224321.
Genomic context (GRCh38, chr6:80,168,984, plus strand): 5'-ACTGTGGAAGCCTCACTATCCGGTCCCCTTGGGGCTGTGTTGGTCATGGGGCTCTCTATC[A>T]TTCTCAGAGTCCTGAAGCATTTTTTGCCCATTGCCCAGGAATCAAGGTATGTTCATTTAT-3'
Protein context (NP_898871.1, residues 186-206): WGCVGHGALY[His196Leu]SQSPEAFFAH

ClinVar aggregate classification (germline): Conflicting classifications of pathogenicity. Review status: criteria provided, conflicting classifications (1 of 4 stars). 2 submissions from 2 submitters: Likely pathogenic (1); Uncertain significance (1). Last evaluated 2024-04-01.

Conditions:
Maple syrup urine disease (MSUD). Identifiers: Orphanet 511, MedGen C0024776, MeSH D008375, MONDO:0009563. Disease mechanism: loss of function.

Allele frequency attached by ClinVar (database versions not stated): gnomAD 0.00001; gnomAD exomes below 0.00001; TOPMed 0.00001.
gnomAD v4.1: 2 of 1,614,080 alleles (0.00012%); highest among the groups gnomAD compares: Admixed American, 0.0017%; no homozygotes.

Submissions (2):

Labcorp Genetics (formerly Invitae), Labcorp
Classification: Likely pathogenic for Maple syrup urine disease. Last evaluated: 2024-04-01. Review status: criteria provided, single submitter. Criteria: Invitae Variant Classification Sherloc (09022015). Collection method: clinical testing. Allele origin: germline.
Comment: This sequence change replaces histidine, which is basic and polar, with leucine, which is neutral and non-polar, at codon 196 of the BCKDHB protein (p.His196Leu). This variant is not present in population databases (gnomAD no frequency). This missense change has been observed in individual(s) with biochemical features of maple syrup urine disease (MSUD) (PMID: 32778825; Invitae). ClinVar contains an entry for this variant (Variation ID: 96597). Advanced modeling of protein sequence and biophysical properties (such as structural, functional, and spatial information, amino acid conservation, physicochemical variation, residue mobility, and thermodynamic stability) performed at Invitae indicates that this missense variant is expected to disrupt BCKDHB protein function with a positive predictive value of 80%. In summary, the currently available evidence indicates that the variant is pathogenic, but additional data are needed to prove that conclusively. Therefore, this variant has been classified as Likely Pathogenic.

Eurofins Ntd Llc (ga)
Classification: Uncertain significance. Last evaluated: 2013-09-03. Review status: criteria provided, single submitter. Criteria: EGL Classification Definitions 2015. Collection method: clinical testing. Allele origin: germline. Observed: 2 variant alleles, 1 heterozygote, 1 homozygote.

Literature cited by the submitters: PubMed 32778825 (cited by Labcorp Genetics (formerly Invitae), Labcorp).